The following is an entry in ClinVar:

NM_018136.5(ASPM):c.9773A>G (p.His3258Arg)

Gene: ASPM (assembly factor for spindle microtubules; minus strand). Cytogenetic location: 1q31.3.
Variant type: single nucleotide variant.
Coding change: c.9773A>G on transcript NM_018136.5 (MANE Select); coding-DNA position 9773, A replaced by G.
Protein change: p.His3258Arg; replaces histidine 3258 with arginine.
Molecular consequence: missense variant.
Genome position (GRCh38, 1-based): chr1:197,090,252, T>C on the plus strand (A>G on the coding strand, the complement: ASPM is on the minus strand). VCF-style: chr1-197090252-T-C. GRCh37 (hg19) VCF-style: chr1-197059382-T-C.
Other names: c.5018A>G, p.His1673Arg (NM_001206846.2); short protein forms H3258R, H1673R.
Identifiers: ClinVar variation 21638 (VCV000021638.25), dbSNP rs7528827, ClinGen allele CA171281.
Genomic context (GRCh38, chr1:197,090,252, plus strand): 5'-TAACCTAGGTGTTTTAAGGCCTCAAGAATGGCAGAAAGGTGCTTATATGTCAAAAGGTAA[T>C]GAAGTGCAAGTGCAGTTCTTTTGTAGAGTTTGTTTTCTTCTCGAATCTCCCTATTAACAA-3'
Protein context (NP_060606.3, residues 3248-3268): KLYKRTALAL[His3258Arg]YLLTYKHLSA

ClinVar aggregate classification (germline): Benign/Likely benign. Review status: criteria provided, multiple submitters, no conflicts (2 of 4 stars). 9 submissions from 9 submitters: Benign (3); Likely benign (4). 2 of the submissions do not count toward it. Last evaluated 2026-01-22.

Conditions:
ASPM-related disorder. Also called: ASPM-related condition.
Microcephaly 5, primary, autosomal recessive (MCPH5). Also called: ASPM Primary Microcephaly. Identifiers: Orphanet 2512, MedGen C1837501, MONDO:0012106, OMIM 608716.

Allele frequency attached by ClinVar (database versions not stated): ESP Exome Variant Server 0.00738; TOPMed 0.00742; gnomAD 0.00754 and 0.00705; gnomAD exomes 0.00076 and 0.00200; ExAC 0.00240; 1000 Genomes Project 0.00639; 1000 Genomes Project 30x 0.00718.
gnomAD v4.1: 2,241 of 1,613,552 alleles (0.14%); highest among the groups gnomAD compares: African/African-American, 2.2%; 14 homozygotes.

Submissions (9):

Labcorp Genetics (formerly Invitae), Labcorp
Classification: Benign. Last evaluated: 2026-01-22. Review status: criteria provided, single submitter. Criteria: Invitae Variant Classification Sherloc (09022015). Collection method: clinical testing. Allele origin: germline.

Genome-Nilou Lab
Classification: Likely benign for Microcephaly 5, primary, autosomal recessive. Last evaluated: 2023-04-11. Review status: criteria provided, single submitter. Criteria: ACMG Guidelines, 2015. Collection method: clinical testing. Allele origin: germline. Affected: no.

Fulgent Genetics
Classification: Likely benign for Microcephaly 5, primary, autosomal recessive. Last evaluated: 2021-11-05. Review status: criteria provided, single submitter. Criteria: ACMG Guidelines, 2015. Collection method: clinical testing. Allele origin: unknown.

GeneDx
Classification: Benign. Last evaluated: 2018-04-18. Review status: criteria provided, single submitter. Criteria: GeneDx Variant Classification Process June 2021. Collection method: clinical testing. Allele origin: germline. Affected: yes.

Illumina Laboratory Services, Illumina
Classification: Likely benign for Microcephaly 5, primary, autosomal recessive. Last evaluated: 2018-01-13. Review status: criteria provided, single submitter. Criteria: ICSL Variant Classification Criteria 13 December 2019. Collection method: clinical testing. Allele origin: germline.
Comment: This variant was observed in the ICSL laboratory as part of a predisposition screen in an ostensibly healthy population. It had not been previously curated by ICSL or reported in the Human Gene Mutation Database (HGMD: prior to June 1st, 2018), and was therefore a candidate for classification through an automated scoring system. Utilizing variant allele frequency, disease prevalence and penetrance estimates, and inheritance mode, an automated score was calculated to assess if this variant is too frequent to cause the disease. Based on the score and internal cut-off values, a variant classified as likely benign is not then subjected to further curation. The score for this variant resulted in a classification of likely benign for this disease.

Center for Pediatric Genomic Medicine, Children's Mercy Hospital and Clinics
Classification: Likely benign. Last evaluated: 2017-04-19. Review status: criteria provided, single submitter. Criteria: ACMG Guidelines, 2015. Collection method: clinical testing. Allele origin: germline.

Genetic Services Laboratory, University of Chicago
Classification: Benign. Last evaluated: 2013-02-08. Review status: criteria provided, single submitter. Criteria: ACMG Guidelines, 2007. Collection method: clinical testing. Allele origin: germline. Inheritance: Autosomal recessive inheritance.

PreventionGenetics, part of Exact Sciences
Classification: Benign for ASPM-related condition. Last evaluated: 2023-12-18. Review status: no assertion criteria provided. Collection method: clinical testing. Allele origin: germline. Not counted in ClinVar's aggregate classification.
Comment: This variant is classified as benign based on ACMG/AMP sequence variant interpretation guidelines (Richards et al. 2015 PMID: 25741868, with internal and published modifications).

GeneReviews
No classification provided. Condition: Microcephaly 5, primary, autosomal recessive. Review status: no classification provided. Collection method: literature only. Allele origin: unknown. Not counted in ClinVar's aggregate classification.

Literature cited by the submitters: PubMed 20301772 (cited by GeneReviews); NCBI Bookshelf NBK9587 (cited by GeneReviews).